The following is an entry in ClinVar:

NM_022765.4(MICAL1):c.2981+1G>T

Gene: MICAL1 (microtubule associated monooxygenase, calponin and LIM domain containing 1; minus strand). Cytogenetic location: 6q21.
Variant type: single nucleotide variant.
Coding change: c.2981+1G>T on transcript NM_022765.4 (MANE Select); the canonical splice donor site of the intron after coding-DNA position 2981, G replaced by T.
Molecular consequence: splice donor variant.
Genome position (GRCh38, 1-based): chr6:109,444,895, C>A on the plus strand (G>T on the coding strand, the complement: MICAL1 is on the minus strand). VCF-style: chr6-109444895-C-A. GRCh37 (hg19) VCF-style: chr6-109766098-C-A.
Other names: c.3038+1G>T (NM_001286613.2); c.2723+1G>T (NM_001159291.2).
Identifiers: ClinVar variation 2973083 (VCV002973083.4), dbSNP rs774016878, ClinGen allele CA3952692.

ClinVar aggregate classification (germline): Uncertain significance (1 of 4 stars; one submission).

Allele frequency attached by ClinVar (database versions not stated): gnomAD 0.00001.

Submissions (2):

Labcorp Genetics (formerly Invitae), Labcorp
Classification: Uncertain significance. Last evaluated: 2024-08-28. Review status: criteria provided, single submitter. Criteria: Invitae Variant Classification Sherloc (09022015). Collection method: clinical testing. Allele origin: germline.
Comment: This sequence change affects a donor splice site in intron 23 of the MICAL1 gene. It is expected to disrupt RNA splicing. Variants that disrupt the donor or acceptor splice site typically lead to a loss of protein function (PMID: 16199547), however the current clinical and genetic evidence is not sufficient to establish whether loss-of-function variants in MICAL1 cause disease. This variant is present in population databases (rs774016878, gnomAD 0.003%). This variant has not been reported in the literature in individuals affected with MICAL1-related conditions. Algorithms developed to predict the effect of sequence changes on RNA splicing suggest that this variant may disrupt the consensus splice site. In summary, the available evidence is currently insufficient to determine the role of this variant in disease. Therefore, it has been classified as a Variant of Uncertain Significance.

Dr. Peter K. Rogan Lab, Western University
No classification provided (evidence only). Condition: Colon adenocarcinoma. Review status: no classification provided. Collection method: in vitro. Allele origin: not applicable. Functional consequence: skipped exon, retained intron. Not counted in ClinVar's aggregate classification.

Literature cited by the submitters: PubMed 16199547 (cited by Labcorp Genetics (formerly Invitae), Labcorp).